The following is an entry in ClinVar:

NM_013336.4(SEC61A1):c.1336G>A (p.Gly446Arg)

Genes: RUVBL1 (RuvB like AAA ATPase 1; minus strand), SEC61A1 (SEC61 translocon subunit alpha 1; plus strand). Cytogenetic location: 3q21.3.
Variant type: single nucleotide variant.
Coding change: c.1336G>A on transcript NM_013336.4 (MANE Select); coding-DNA position 1336, G replaced by A.
Protein change: p.Gly446Arg; replaces glycine 446 with arginine.
Molecular consequence: missense variant. On other transcripts: intron variant (1).
Genome position (GRCh38, 1-based): chr3:128,069,567, G>A. VCF-style: chr3-128069567-G-A. GRCh37 (hg19) VCF-style: chr3-127788410-G-A.
Other names: c.1354G>A, p.Gly452Arg (NM_001400328.1); c.1177G>A, p.Gly393Arg (NM_001400329.1); c.940-4347C>T (NM_001319086.1); short protein forms G393R, G446R, G452R.
Identifiers: ClinVar variation 3032511 (VCV003032511.3), dbSNP rs2473053584, ClinGen allele CA354403418.
Genomic context (GRCh38, chr3:128,069,567, plus strand): 5'-CTGTGCATCGGGGCCCTCTCGGTCCTGGCTGACTTCCTAGGCGCCATTGGGTCTGGAACC[G>A]GGATCCTGCTCGCAGTCACAATCATCTACCAGTACTTTGAGATCTTCGTTAAGGAGCAAA-3'
Protein context (NP_037468.1, residues 436-456): DFLGAIGSGT[Gly446Arg]ILLAVTIIYQ

ClinVar aggregate classification (germline): Uncertain significance. Review status: criteria provided, single submitter (1 of 4 stars). 2 submissions from 2 submitters: Uncertain significance (1). 1 of the submissions does not count toward it. Last evaluated 2024-01-03.

Conditions:
Inborn genetic diseases. Identifiers: MedGen C0950123, MeSH D030342.
SEC61A1-related disorder. Also called: SEC61A1-related condition.

Submissions (2):

Ambry Genetics
Classification: Uncertain significance for Inborn genetic diseases. Last evaluated: 2024-01-03. Review status: criteria provided, single submitter. Criteria: Ambry Variant Classification Scheme 2023. Collection method: clinical testing. Allele origin: germline.

PreventionGenetics, part of Exact Sciences
Classification: Uncertain significance for SEC61A1-related condition. Last evaluated: 2023-11-15. Review status: no assertion criteria provided. Collection method: clinical testing. Allele origin: germline. Not counted in ClinVar's aggregate classification.
Comment: The SEC61A1 c.1336G>A variant is predicted to result in the amino acid substitution p.Gly446Arg. To our knowledge, this variant has not been reported in the literature or in a large population database, indicating this variant is rare. At this time, the clinical significance of this variant is uncertain due to the absence of conclusive functional and genetic evidence.